The following is an entry in ClinVar:

ClinVar aggregate classification (germline): Uncertain significance (1 of 4 stars; one submission).

Conditions:
Hypertrophic cardiomyopathy. Also called: HYPERTROPHIC MYOCARDIOPATHY. Identifiers: Orphanet 217569, MedGen C0007194, MeSH D002312, MONDO:0005045, HP:0001639.

Submission:

Labcorp Genetics (formerly Invitae), Labcorp
Classification: Uncertain significance for Hypertrophic cardiomyopathy. Last evaluated: 2025-06-09. Review status: criteria provided, single submitter. Criteria: Invitae Variant Classification Sherloc (09022015). Collection method: clinical testing. Allele origin: germline.
Comment: This sequence change replaces leucine, which is neutral and non-polar, with valine, which is neutral and non-polar, at codon 387 of the MYBPC3 protein (p.Leu387Val). This variant is not present in population databases (gnomAD no frequency). This variant has not been reported in the literature in individuals affected with MYBPC3-related conditions. An algorithm developed to predict the effect of missense changes on protein structure and function outputs the following: PolyPhen-2: "Benign". The valine amino acid residue is found in multiple mammalian species, which suggests that this missense change does not adversely affect protein function. In summary, the available evidence is currently insufficient to determine the role of this variant in disease. Therefore, it has been classified as a Variant of Uncertain Significance.

NM_000256.3(MYBPC3):c.1159C>G (p.Leu387Val)

Gene: MYBPC3 (myosin binding protein C3; minus strand). Cytogenetic location: 11p11.2.
Variant type: single nucleotide variant.
Coding change: c.1159C>G on transcript NM_000256.3 (MANE Select); coding-DNA position 1159, C replaced by G.
Protein change: p.Leu387Val; replaces leucine 387 with valine.
Molecular consequence: missense variant.
Genome position (GRCh38, 1-based): chr11:47,343,556, G>C on the plus strand (C>G on the coding strand, the complement: MYBPC3 is on the minus strand). VCF-style: chr11-47343556-G-C. GRCh37 (hg19) VCF-style: chr11-47365107-G-C.
Other names: short protein forms L387V.
Identifiers: ClinVar variation 4747707 (VCV004747707.1).